The following is an entry in ClinVar:

NM_004360.5(CDH1):c.488G>A (p.Cys163Tyr)

Gene: CDH1 (cadherin 1; plus strand). Cytogenetic location: 16q22.1.
Variant type: single nucleotide variant.
Coding change: c.488G>A on transcript NM_004360.5 (MANE Select); coding-DNA position 488, G replaced by A.
Protein change: p.Cys163Tyr; replaces cysteine 163 with tyrosine.
Molecular consequence: missense variant. On other transcripts: 5 prime UTR variant (2).
Genome position (GRCh38, 1-based): chr16:68,808,524, G>A. VCF-style: chr16-68808524-G-A. GRCh37 (hg19) VCF-style: chr16-68842427-G-A.
Other names: c.488G>A, p.Cys163Tyr (NM_001317184.2); c.-1128G>A (NM_001317185.2); c.-1332G>A (NM_001317186.2); short protein forms C163Y.
Identifiers: ClinVar variation 944738 (VCV000944738.11), dbSNP rs748783182, ClinGen allele CA396457728.
Genomic context (GRCh38, chr16:68,808,524, plus strand): 5'-CCAACTCCTCTCCTGGCCTCAGAAGACAGAAGAGAGACTGGGTTATTCCTCCCATCAGCT[G>A]CCCAGAAAATGAAAAAGGCCCATTTCCTAAAAACCTGGTTCAGGTAGAGAAAGAAGTTCT-3'
Protein context (NP_004351.1, residues 153-173): KRDWVIPPIS[Cys163Tyr]PENEKGPFPK

ClinVar aggregate classification (germline): Uncertain significance. Review status: criteria provided, multiple submitters, no conflicts (2 of 4 stars). 2 submissions from 2 submitters: Uncertain significance (2). Last evaluated 2024-02-23.

Conditions:
Hereditary cancer-predisposing syndrome. Also called: Neoplastic Syndromes, Hereditary; Hereditary neoplastic syndrome; Hereditary Cancer Syndrome; Tumor predisposition. Identifiers: Orphanet 140162, MedGen C0027672, MeSH D009386, MONDO:0015356.
Hereditary diffuse gastric adenocarcinoma (HDGC). Also called: DIFFUSE GASTRIC AND LOBULAR BREAST CANCER SYNDROME. Identifiers: Orphanet 26106, MedGen C1708349, MONDO:0007648, OMIM 137215.

Submissions (2):

Ambry Genetics
Classification: Uncertain significance for Hereditary cancer-predisposing syndrome. Last evaluated: 2024-02-23. Review status: criteria provided, single submitter. Criteria: Ambry Variant Classification Scheme 2023. Collection method: clinical testing. Allele origin: germline.
Comment: The p.C163Y variant (also known as c.488G>A), located in coding exon 4 of the CDH1 gene, results from a G to A substitution at nucleotide position 488. The cysteine at codon 163 is replaced by tyrosine, an amino acid with highly dissimilar properties. This amino acid position is not well conserved in available vertebrate species. In addition, the in silico prediction for this alteration is inconclusive. Based on the available evidence, the clinical significance of this alteration remains unclear.

Labcorp Genetics (formerly Invitae), Labcorp
Classification: Uncertain significance for Hereditary diffuse gastric adenocarcinoma. Last evaluated: 2019-06-06. Review status: criteria provided, single submitter. Criteria: Invitae Variant Classification Sherloc (09022015). Collection method: clinical testing. Allele origin: germline.
Comment: In summary, the available evidence is currently insufficient to determine the role of this variant in disease. Therefore, it has been classified as a Variant of Uncertain Significance. Algorithms developed to predict the effect of missense changes on protein structure and function are either unavailable or do not agree on the potential impact of this missense change (SIFT: "Deleterious"; PolyPhen-2: "Probably Damaging"; Align-GVGD: "Class C0"). This variant has not been reported in the literature in individuals with CDH1-related conditions. This variant is not present in population databases (ExAC no frequency). This sequence change replaces cysteine with tyrosine at codon 163 of the CDH1 protein (p.Cys163Tyr). The cysteine residue is moderately conserved and there is a large physicochemical difference between cysteine and tyrosine.